The following is an entry in ClinVar:

ClinVar aggregate classification (germline): Benign. Review status: criteria provided, multiple submitters, no conflicts (2 of 4 stars). 4 submissions from 4 submitters: Benign (4). Last evaluated 2026-02-04.

Conditions:
Encephalopathy, acute, infection-induced (herpes-specific), susceptibility to, 6. Also called: Herpes simplex encephalitis, susceptibility to, 4. Identifiers: Orphanet 1930, MedGen C3553869, MONDO:0013921, OMIM 614850.

Allele frequency attached by ClinVar (database versions not stated): ExAC 0.66520; gnomAD 0.72359 and 0.72026; gnomAD exomes 0.65839; 1000 Genomes Project 30x 0.73142; 1000 Genomes Project 0.72564; TOPMed 0.72601; ESP Exome Variant Server 0.73151.
gnomAD v4.1: 1,038,869 of 1,599,354 alleles (65%); highest among the groups gnomAD compares: African/African-American, 93%; 341,718 homozygotes.

Submissions (4):

Labcorp Genetics (formerly Invitae), Labcorp
Classification: Benign for Encephalopathy, acute, infection-induced (herpes-specific), susceptibility to, 6. Last evaluated: 2026-02-04. Review status: criteria provided, single submitter. Criteria: Invitae Variant Classification Sherloc (09022015). Collection method: clinical testing. Allele origin: germline.

Unidad de Genómica Garrahan, Hospital de Pediatría Garrahan
Classification: Benign. Last evaluated: 2024-01-24. Review status: criteria provided, single submitter. Criteria: ACMG Guidelines, 2015. Collection method: clinical testing. Allele origin: germline. Affected: no. Observed: 87 variant alleles.
Comment: This variant is classified as Benign based on local population frequency. This variant was detected in 92% of patients studied by a panel of primary immunodeficiencies. Number of patients: 87. Only high quality variants are reported.

Laboratory for Molecular Medicine, Mass General Brigham Personalized Medicine
Classification: Benign. Last evaluated: 2016-03-29. Review status: criteria provided, single submitter. Criteria: LMM Criteria. Collection method: clinical testing. Allele origin: germline.
Comment: Variant identified in a genome or exome case(s) and assessed due to predicted null impact of the variant or pathogenic assertions in the literature or databases. Disclaimer: This variant has not undergone full assessment. The following are preliminary notes: Frequency

Breakthrough Genomics
Classification: Benign. Review status: criteria provided, single submitter. Criteria: ACMG Guidelines, 2015. Collection method: not provided. Allele origin: germline. Inheritance: Autosomal dominant inheritance. Affected: yes.

NM_182919.4(TICAM1):c.12A>G (p.Thr4=)

Gene: TICAM1 (TIR domain containing adaptor molecule 1; minus strand). Cytogenetic location: 19p13.3.
Variant type: single nucleotide variant.
Coding change: c.12A>G on transcript NM_182919.4 (MANE Select); coding-DNA position 12, A replaced by G.
Protein change: p.Thr4=; no amino-acid change (threonine 4 retained).
Molecular consequence: synonymous variant.
Genome position (GRCh38, 1-based): chr19:4,818,366, T>C on the plus strand (A>G on the coding strand, the complement: TICAM1 is on the minus strand). VCF-style: chr19-4818366-T-C. GRCh37 (hg19) VCF-style: chr19-4818378-T-C.
Identifiers: ClinVar variation 403542 (VCV000403542.17), dbSNP rs7255265, ClinGen allele CA9105440.